The following is an entry in ClinVar:

ClinVar aggregate classification (germline): Uncertain significance (1 of 4 stars; one submission).

gnomAD v4.1: 5 of 1,600,108 alleles (0.00031%); highest among the groups gnomAD compares: Non-Finnish European, 0.00042%; no homozygotes.

Submission:

Labcorp Genetics (formerly Invitae), Labcorp
Classification: Uncertain significance. Last evaluated: 2025-12-17. Review status: criteria provided, single submitter. Criteria: Invitae Variant Classification Sherloc (09022015). Collection method: clinical testing. Allele origin: germline.
Comment: This sequence change replaces valine, which is neutral and non-polar, with alanine, which is neutral and non-polar, at codon 424 of the CARMIL2 protein (p.Val424Ala). The frequency data for this variant in the population databases is considered unreliable, as metrics indicate poor data quality at this position in the gnomAD database. This variant has not been reported in the literature in individuals affected with CARMIL2-related conditions. ClinVar contains an entry for this variant (Variation ID: 3716220). Invitae Evidence Modeling of protein sequence and biophysical properties (such as structural, functional, and spatial information, amino acid conservation, physicochemical variation, residue mobility, and thermodynamic stability) indicates that this missense variant is not expected to disrupt CARMIL2 protein function with a negative predictive value of 80%. In summary, the available evidence is currently insufficient to determine the role of this variant in disease. Therefore, it has been classified as a Variant of Uncertain Significance.

NM_001013838.3(CARMIL2):c.1271T>C (p.Val424Ala)

Gene: CARMIL2 (capping protein regulator and myosin 1 linker 2; plus strand). Cytogenetic location: 16q22.1.
Variant type: single nucleotide variant.
Coding change: c.1271T>C on transcript NM_001013838.3 (MANE Select); coding-DNA position 1271, T replaced by C.
Protein change: p.Val424Ala; replaces valine 424 with alanine.
Molecular consequence: missense variant.
Genome position (GRCh38, 1-based): chr16:67,648,251, T>C. VCF-style: chr16-67648251-T-C. GRCh37 (hg19) VCF-style: chr16-67682154-T-C.
Other names: c.1163T>C, p.Val388Ala (NM_001317026.3); short protein forms V424A, V388A.
Identifiers: ClinVar variation 3716220 (VCV003716220.2).